The following is an entry in ClinVar:

NM_020975.6(RET):c.2504C>G (p.Ser835Cys)

Gene: RET (ret proto-oncogene; plus strand). Cytogenetic location: 10q11.21.
Variant type: single nucleotide variant.
Coding change: c.2504C>G on transcript NM_020975.6 (MANE Select); coding-DNA position 2504, C replaced by G.
Protein change: p.Ser835Cys; replaces serine 835 with cysteine.
Molecular consequence: missense variant.
Genome position (GRCh38, 1-based): chr10:43,119,642, C>G. VCF-style: chr10-43119642-C-G. GRCh37 (hg19) VCF-style: chr10-43615090-C-G.
Other names: c.1742C>G, p.Ser581Cys (NM_001355216.2); c.2504C>G, p.Ser835Cys (NM_001406743.1, NM_001406744.1, NM_001406759.1 and 2 more transcripts); c.2375C>G, p.Ser792Cys (NM_001406761.1, NM_001406762.1, NM_001406764.1); c.2369C>G, p.Ser790Cys (NM_001406763.1, NM_001406765.1); c.2216C>G, p.Ser739Cys (NM_001406766.1, NM_001406767.1, NM_001406770.1); c.2240C>G, p.Ser747Cys (NM_001406768.1); c.2108C>G, p.Ser703Cys (NM_001406769.1, NM_001406772.1); c.2066C>G, p.Ser689Cys (NM_001406771.1, NM_001406773.1); and 10 more; short protein forms S505C, S660C, S689C, S703C, S747C, S352C, S400C, S491C.
Identifiers: ClinVar variation 3432220 (VCV003432220.1).

ClinVar aggregate classification (germline): Uncertain significance (1 of 4 stars; one submission).

Conditions:
Hereditary cancer-predisposing syndrome. Also called: Neoplastic Syndromes, Hereditary; Tumor predisposition; Hereditary Cancer Syndrome; Hereditary neoplastic syndrome. Identifiers: Orphanet 140162, MedGen C0027672, MeSH D009386, MONDO:0015356.

Submission:

Ambry Genetics
Classification: Uncertain significance for Hereditary cancer-predisposing syndrome. Last evaluated: 2024-09-22. Review status: criteria provided, single submitter. Criteria: Ambry Variant Classification Scheme 2023. Collection method: clinical testing. Allele origin: germline.
Comment: The p.S835C variant (also known as c.2504C>G), located in coding exon 14 of the RET gene, results from a C to G substitution at nucleotide position 2504. The serine at codon 835 is replaced by cysteine, an amino acid with dissimilar properties. This amino acid position is conserved. In addition, the in silico prediction for this alteration is inconclusive. Based on the available evidence, the clinical significance of this variant remains unclear.